The following is an entry in ClinVar:

ClinVar aggregate classification (germline): Benign/Likely benign. Review status: criteria provided, multiple submitters, no conflicts (2 of 4 stars). 11 submissions from 11 submitters: Benign (8); Likely benign (1). 2 of the submissions do not count toward it. Last evaluated 2026-02-04.

Conditions:
Congenital muscular dystrophy due to partial LAMA2 deficiency. Identifiers: MedGen C1842898.
Merosin deficient congenital muscular dystrophy (MDC1A). Also called: Congenital merosin-deficient muscular dystrophy 1A; Congenital Muscular Dystrophy Type 1A (MDC1A). Identifiers: Orphanet 258, MedGen C1263858, MONDO:0011925, OMIM 607855.
LAMA2-related muscular dystrophy (LAMA2-RD). Also called: Laminin alpha 2-related dystrophy. Identifiers: MedGen C5679788, MONDO:0100228.

Allele frequency attached by ClinVar (database versions not stated): gnomAD exomes 0.06461 and 0.08865; ESP Exome Variant Server 0.07896; gnomAD 0.07998 and 0.08154; ExAC 0.08567; TOPMed 0.08843; 1000 Genomes Project 0.09665; 1000 Genomes Project 30x 0.09853.
gnomAD v4.1: 107,519 of 1,613,146 alleles (6.7%); highest among the groups gnomAD compares: Admixed American, 17%; 4,638 homozygotes.

Submissions (11):

Labcorp Genetics (formerly Invitae), Labcorp
Classification: Benign for LAMA2-related muscular dystrophy. Last evaluated: 2026-02-04. Review status: criteria provided, single submitter. Criteria: Invitae Variant Classification Sherloc (09022015). Collection method: clinical testing. Allele origin: germline.

Blueprint Genetics
Classification: Likely benign. Last evaluated: 2024-11-27. Review status: criteria provided, single submitter. Criteria: ACMG Guidelines, 2015. Collection method: clinical testing. Allele origin: germline.

Mayo Clinic Laboratories, Mayo Clinic
Classification: Benign. Last evaluated: 2018-03-12. Review status: criteria provided, single submitter. Criteria: ACMG Guidelines, 2015. Collection method: clinical testing. Allele origin: germline. Observed: 430 variant alleles.

Illumina Laboratory Services, Illumina
Classification: Benign for Congenital muscular dystrophy due to partial LAMA2 deficiency. Last evaluated: 2018-01-12. Review status: criteria provided, single submitter. Criteria: ICSL Variant Classification Criteria 13 December 2019. Collection method: clinical testing. Allele origin: germline.
Comment: This variant was observed in the ICSL laboratory as part of a predisposition screen in an ostensibly healthy population. It had not been previously curated by ICSL or reported in the Human Gene Mutation Database (HGMD: prior to June 1st, 2018), and was therefore a candidate for classification through an automated scoring system. Utilizing variant allele frequency, disease prevalence and penetrance estimates, and inheritance mode, an automated score was calculated to assess if this variant is too frequent to cause the disease. Based on the score and internal cut-off values, a variant classified as benign is not then subjected to further curation. The score for this variant resulted in a classification of benign for this disease.

Athena Diagnostics
Classification: Benign for Merosin deficient congenital muscular dystrophy. Last evaluated: 2017-04-13. Review status: criteria provided, single submitter. Criteria: Athena Diagnostics Criteria. Collection method: clinical testing. Allele origin: germline.

GeneDx
Classification: Benign. Last evaluated: 2016-02-08. Review status: criteria provided, single submitter. Criteria: GeneDx Variant Classification (06012015). Collection method: clinical testing. Allele origin: germline. Affected: yes.
Comment: This variant is considered likely benign or benign based on one or more of the following criteria: it is a conservative change, it occurs at a poorly conserved position in the protein, it is predicted to be benign by multiple in silico algorithms, and/or has population frequency not consistent with disease.

Genetic Services Laboratory, University of Chicago
Classification: Benign for AllHighlyPenetrant. Last evaluated: 2013-08-15. Review status: criteria provided, single submitter. Criteria: ACMG Guidelines, 2007. Collection method: clinical testing. Allele origin: germline. Inheritance: Autosomal recessive inheritance.

Eurofins Ntd Llc (ga)
Classification: Benign. Last evaluated: 2012-09-21. Review status: criteria provided, single submitter. Criteria: EGL Classification Definitions 2015. Collection method: clinical testing. Allele origin: germline. Observed: 10 variant alleles, 9 heterozygotes, 1 homozygote.

PreventionGenetics, part of Exact Sciences
Classification: Benign. Review status: criteria provided, single submitter. Criteria: ACMG Guidelines, 2015. Collection method: clinical testing. Allele origin: germline.

Clinical Genetics, Academic Medical Center
Classification: Benign. Review status: no assertion criteria provided. Collection method: clinical testing. Allele origin: germline. Affected: yes. Study: VKGL Data-share Consensus. Not counted in ClinVar's aggregate classification.

Joint Genome Diagnostic Labs from Nijmegen and Maastricht, Radboudumc and MUMC+
Classification: Benign. Review status: no assertion criteria provided. Collection method: clinical testing. Allele origin: germline. Affected: yes. Study: VKGL Data-share Consensus. Not counted in ClinVar's aggregate classification.

Literature cited by the submitters: PubMed 12552556 (cited by Athena Diagnostics); PubMed 8957020 (cited by Athena Diagnostics); PubMed 9541105 (cited by Athena Diagnostics).

NM_000426.4(LAMA2):c.4956C>G (p.Thr1652=)

Gene: LAMA2 (laminin subunit alpha 2; plus strand). Cytogenetic location: 6q22.33.
Variant type: single nucleotide variant.
Coding change: c.4956C>G on transcript NM_000426.4 (MANE Select); coding-DNA position 4956, C replaced by G.
Protein change: p.Thr1652=; no amino-acid change (threonine 1652 retained).
Molecular consequence: synonymous variant.
Genome position (GRCh38, 1-based): chr6:129,369,987, C>G. VCF-style: chr6-129369987-C-G. GRCh37 (hg19) VCF-style: chr6-129691132-C-G.
Other names: p.Thr1652=; c.4956C>G, p.Thr1652= (NM_001079823.2).
Identifiers: ClinVar variation 92963 (VCV000092963.28), dbSNP rs17057184, ClinGen allele CA146130.